The following is an entry in ClinVar:

ClinVar aggregate classification (germline): Uncertain significance (1 of 4 stars; one submission).

gnomAD v4.1: 1 of 1,614,036 alleles (0.000062%); highest among the groups gnomAD compares: Non-Finnish European, 0.000085%; no homozygotes.

Submission:

GeneDx
Classification: Uncertain significance. Last evaluated: 2023-04-06. Review status: criteria provided, single submitter. Criteria: GeneDx Variant Classification Process June 2021. Collection method: clinical testing. Allele origin: germline.
Comment: Not observed at significant frequency in large population cohorts (gnomAD); In silico analysis supports that this missense variant does not alter protein structure/function; Has not been previously published as pathogenic or benign to our knowledge; Variants in candidate genes are classified as variants of uncertain significance in accordance with ACMG guidelines (Richards et al., 2015)

NM_014717.3(ZNF536):c.2521G>T (p.Ala841Ser)

Gene: ZNF536 (zinc finger protein 536; plus strand). Cytogenetic location: 19q12.
Variant type: single nucleotide variant.
Coding change: c.2521G>T on transcript NM_014717.3 (MANE Select); coding-DNA position 2521, G replaced by T.
Protein change: p.Ala841Ser; replaces alanine 841 with serine.
Molecular consequence: missense variant.
Genome position (GRCh38, 1-based): chr19:30,548,140, G>T. VCF-style: chr19-30548140-G-T. GRCh37 (hg19) VCF-style: chr19-31039047-G-T.
Other names: c.2521G>T, p.Ala841Ser (NM_001352260.2, NM_001376110.1, NM_001376111.1 and 1 more transcripts); short protein forms A841S.
Identifiers: ClinVar variation 4976641 (VCV004976641.1).